The following is an entry in ClinVar:

ClinVar aggregate classification (germline): Uncertain significance (1 of 4 stars; one submission).

Conditions:
Arrhythmogenic cardiomyopathy with wooly hair and keratoderma. Also called: Arrhythmogenic cardiomyopathy with woolly hair and keratoderma; PALMOPLANTAR KERATODERMA WITH LEFT VENTRICULAR CARDIOMYOPATHY AND WOOLLY HAIR; Carvajal syndrome; Dilated cardiomyopathy with woolly hair and keratoderma. Identifiers: Orphanet 65282, MedGen C1854063, MONDO:0011581, OMIM 605676.
Arrhythmogenic right ventricular dysplasia 8 (ARVD8). Also called: Arrhythmogenic Right Ventricular Dysplasia/Cardiomyopathy 8; ARRHYTHMOGENIC RIGHT VENTRICULAR DYSPLASIA, FAMILIAL, 8; ARRHYTHMOGENIC RIGHT VENTRICULAR CARDIOMYOPATHY 8. Identifiers: MedGen C1843896, MONDO:0011831, OMIM 607450.

Submission:

Labcorp Genetics (formerly Invitae), Labcorp
Classification: Uncertain significance for Arrhythmogenic cardiomyopathy with wooly hair and keratoderma; Arrhythmogenic right ventricular dysplasia 8. Last evaluated: 2025-01-17. Review status: criteria provided, single submitter. Criteria: Invitae Variant Classification Sherloc (09022015). Collection method: clinical testing. Allele origin: germline.
Comment: This sequence change replaces isoleucine, which is neutral and non-polar, with threonine, which is neutral and polar, at codon 1224 of the DSP protein (p.Ile1224Thr). This variant is not present in population databases (gnomAD no frequency). This variant has not been reported in the literature in individuals affected with DSP-related conditions. An algorithm developed to predict the effect of missense changes on protein structure and function (PolyPhen-2) suggests that this variant is likely to be tolerated. In summary, the available evidence is currently insufficient to determine the role of this variant in disease. Therefore, it has been classified as a Variant of Uncertain Significance.

NM_004415.4(DSP):c.3671T>C (p.Ile1224Thr)

Gene: DSP (desmoplakin; plus strand). Cytogenetic location: 6p24.3.
Variant type: single nucleotide variant.
Coding change: c.3671T>C on transcript NM_004415.4 (MANE Select); coding-DNA position 3671, T replaced by C.
Protein change: p.Ile1224Thr; replaces isoleucine 1224 with threonine.
Molecular consequence: missense variant. On other transcripts: intron variant (1).
Genome position (GRCh38, 1-based): chr6:7,579,861, T>C. VCF-style: chr6-7579861-T-C. GRCh37 (hg19) VCF-style: chr6-7580094-T-C.
Other names: c.3671T>C, p.Ile1224Thr (NM_001319034.2); c.3582+89T>C (NM_001008844.3); short protein forms I1224T.
Identifiers: ClinVar variation 3760333 (VCV003760333.2).